The following is an entry in ClinVar:

NM_000352.6(ABCC8):c.2921-9G>A

Gene: ABCC8 (ATP binding cassette subfamily C member 8; minus strand). Cytogenetic location: 11p15.1.
Variant type: single nucleotide variant.
Coding change: c.2921-9G>A on transcript NM_000352.6 (MANE Select); 9 bases into the intron before coding-DNA position 2921, G replaced by A.
Molecular consequence: intron variant. On other transcripts: non-coding transcript variant (1).
Genome position (GRCh38, 1-based): chr11:17,407,138, C>T on the plus strand (G>A on the coding strand, the complement: ABCC8 is on the minus strand). VCF-style: chr11-17407138-C-T. GRCh37 (hg19) VCF-style: chr11-17428685-C-T.
Other names: c.2918-9G>A (NM_001351297.2); c.2921-9G>A (NM_001351296.2); c.2987-9G>A (NM_001351295.2); c.2924-9G>A (NM_001287174.3).
Identifiers: ClinVar variation 434048 (VCV000434048.23), dbSNP rs757171524, ClinGen allele CA5902971.

ClinVar aggregate classification (germline): Pathogenic/Likely pathogenic. Review status: criteria provided, multiple submitters, no conflicts (2 of 4 stars). 11 submissions from 11 submitters: Pathogenic (1); Likely pathogenic (10). Last evaluated 2025-12-19.

Conditions:
Hyperinsulinemic hypoglycemia, familial, 1 (HHF1). Also called: Persistent hyperinsulinemic hypoglycemia of infancy; HYPERINSULINISM, FAMILIAL, WITH PANCREATIC NESIDIOBLASTOSIS; HYPOGLYCEMIA, HYPERINSULINEMIC, OF INFANCY; NESIDIOBLASTOSIS OF PANCREAS; Persistent Hyperinsulinemia Hypoglycemia of Infancy. Identifiers: Orphanet 276575, Orphanet 276598, MedGen C2931832, MONDO:0009734, OMIM 256450.
Leucine-induced hypoglycemia (LIH). Also called: LEUCINE-SENSITIVE HYPOGLYCEMIA OF INFANCY. Identifiers: MedGen C0271714, MONDO:0009415, OMIM 240800.
Diabetes mellitus, permanent neonatal 3. Also called: ABCC8-Related Permanent Neonatal Diabetes Mellitus. Identifiers: MedGen C5394303, MONDO:0030088, OMIM 618857.
Type 2 diabetes mellitus. Also called: Type II diabetes mellitus. Identifiers: MedGen C0011860, MeSH D003924, MONDO:0005148, OMIM 125853, HP:0005978.
Diabetes mellitus, transient neonatal, 2 (TNDM2). Identifiers: Orphanet 99886, MedGen C1835887, MONDO:0012480, OMIM 610374. Disease mechanism: loss of function.
Hereditary hyperinsulinism.
Familial hyperinsulinism. Also called: Congenital hyperinsulinism. Identifiers: Orphanet 276525, MedGen C3888018, MONDO:0017182. Disease mechanism: loss of function.
ABCC8-related disorder.

Allele frequency attached by ClinVar (database versions not stated): gnomAD exomes 0.00001 and 0.00003; ExAC 0.00002; TOPMed 0.00002.
gnomAD v4.1: 11 of 1,609,016 alleles (0.00068%); highest among the groups gnomAD compares: Admixed American, 0.0051%; no homozygotes.

Submissions (11):

Natera, Inc.
Classification: Likely pathogenic for Hereditary hyperinsulinism. Last evaluated: 2025-12-19. Review status: criteria provided, single submitter. Criteria: Natera Variant Classification Schema (03/2026). Collection method: clinical testing. Allele origin: germline.
Comment: The c.2921-9G>A variant in ABCC8 is an intronic variant located outside the canonical splice sites. This variant is rare in the general population with a frequency below the threshold expected for the associated phenotype(s). This variant has been observed in one or more individuals affected with the associated recessive disease, as either homozygous or compound heterozygous with a second variant (PMID: 16357843, 39205667). Functional studies show that this variant may disrupt protein function (PMID: 33410562). Computational prediction algorithms indicate this variant is likely to affect gene or protein function. Given the available evidence, this variant is classified as Likely Pathogenic.

Women's Health and Genetics/Laboratory Corporation of America, LabCorp
Classification: Likely pathogenic for Familial hyperinsulinism. Last evaluated: 2025-06-03. Review status: criteria provided, single submitter. Criteria: LabCorp Variant Classification Summary - May 2015. Collection method: clinical testing. Allele origin: germline.
Comment: Variant summary: ABCC8 c.2921-9G>A alters a nucleotide located at a position not widely known to affect splicing. Several computational tools predict a significant impact on normal splicing: Three predict the variant abolishes a normal 3' acceptor site while wo predict the variant creates a cryptic 3' acceptor site. However, these predictions have yet to be confirmed by functional studies. The variant allele was found at a frequency of 2.5e-05 in 236410 control chromosomes. c.2921-9G>A has been observed in individuals affected with Familial Hyperinsulinism (Suchi_2006, Bellanne-Chantelot_2010, Saint-Martin_2021). These data indicate that the variant is likely to be associated with disease. To our knowledge, no experimental evidence demonstrating an impact on protein function has been reported. The following publications have been ascertained in the context of this evaluation (PMID: 14715863, 20685672, 33410562, 16357843). ClinVar contains an entry for this variant (Variation ID: 434048). Based on the evidence outlined above, the variant was classified as likely pathogenic.

Myriad Genetics, Inc.
Classification: Likely pathogenic for Hyperinsulinemic hypoglycemia, familial, 1. Last evaluated: 2025-02-26. Review status: criteria provided, single submitter. Criteria: Myriad Autosomal Dominant, Autosomal Recessive and X-Linked Classification Criteria (2023). Collection method: clinical testing. Allele origin: unknown.
Comment: NM_000352.3(ABCC8):c.2921-9G>A is an intronic variant classified as likely pathogenic in the context of familial hyperinsulinism, ABCC8-related. c.2921-9G>A has been observed in cases with relevant disease (PMID: 16357843, 23275527, 32851339, 33410562, 39205667, Armenakovna_thesis_2019). Relevant functional assessments of this variant are available in the literature (PMID: 33410562). c.2921-9G>A has been observed in referenced population frequency databases. In summary, NM_000352.3(ABCC8):c.2921-9G>A is an intronic variant that has functional support for pathogenicity and has been observed more frequently in cases with the relevant disease than in healthy populations. Please note: this variant was assessed in the context of healthy population screening.

Fulgent Genetics
Classification: Likely pathogenic for Type 2 diabetes mellitus; Leucine-induced hypoglycemia; Hyperinsulinemic hypoglycemia, familial, 1; Diabetes mellitus, transient neonatal, 2; Diabetes mellitus, permanent neonatal 3. Last evaluated: 2023-12-28. Review status: criteria provided, single submitter. Criteria: ACMG Guidelines, 2015. Collection method: clinical testing. Allele origin: germline.

Labcorp Genetics (formerly Invitae), Labcorp
Classification: Likely pathogenic. Last evaluated: 2023-12-17. Review status: criteria provided, single submitter. Criteria: Invitae Variant Classification Sherloc (09022015). Collection method: clinical testing. Allele origin: germline.
Comment: This sequence change falls in intron 24 of the ABCC8 gene. It does not directly change the encoded amino acid sequence of the ABCC8 protein. This variant is present in population databases (rs757171524, gnomAD 0.01%). This variant has been observed in individuals with autosomal recessive diffuse or paternally inherited focal hyperinsulinism (PMID: 16357843, 33410562). This variant is also known as c.2924-9G>A. ClinVar contains an entry for this variant (Variation ID: 434048). Algorithms developed to predict the effect of sequence changes on RNA splicing suggest that this variant may disrupt the consensus splice site. In summary, the currently available evidence indicates that the variant is pathogenic, but additional data are needed to prove that conclusively. Therefore, this variant has been classified as Likely Pathogenic.

Baylor Genetics
Classification: Likely pathogenic for Type 2 diabetes mellitus. Last evaluated: 2023-11-30. Review status: criteria provided, single submitter. Criteria: ACMG Guidelines, 2015. Collection method: clinical testing. Allele origin: unknown.

Broad Center for Mendelian Genomics, Broad Institute of MIT and Harvard
Classification: Pathogenic for Hyperinsulinemic hypoglycemia, familial, 1. Last evaluated: 2023-08-16. Review status: criteria provided, single submitter. Criteria: ACMG Guidelines, 2015. Collection method: curation. Allele origin: germline. Inheritance: Autosomal recessive inheritance.
Comment: The c.2921-9G>A variant in ABCC8 has been reported in 5 individuals with hyperinsulinemic hypoglycemia (PMID: 14715863, 16357843, 20685672, 24814349, 33410562), and has been identified in 0.01% (4/33418) of Laitno/Admixed American chromosomes by the Genome Aggregation Database (gnomAD; dbSNP rs757171524). Although this variant has been seen in the general population in a heterozygous state, its frequency is not high enough to rule out a pathogenic role. This variant has also been reported in ClinVar (Variation ID: 434048) and has been interpreted as likely pathogenic by Genetic Services Laboratory (University of Chicago), Athena Diagnostics Inc, Foundation for Research in Genetics and Endocrinology (FRIGE's Institute of Human Genetics), Invitae, and Natera Inc. Of the five affected individuals, at least 2 were compound heterozygotes that carried a reported pathogenic variant in trans which increases the likelihood that the c.2921-9G>A variant is pathogenic (Variation ID: 196880; PMID: 16357843, 33410562). RNAseq analysis performed on affected tissue shows evidence of intron retention before exon 25 (PMID: 33410562). This variant is located in the 5’ splice region. Computational prediction tools and conservation analyses suggest that this variant may impact the protein, though this information is not predictive enough to determine pathogenicity. In summary, this variant meets criteria to be classified as pathogenic for autosomal recessive hyperinsulinemic hypoglycemia. ACMG/AMP Criteria applied: PM3_strong, PS3, PP3 (Richards 2015).

Foundation for Research in Genetics and Endocrinology, FRIGE's Institute of Human Genetics
Classification: Likely pathogenic for Hyperinsulinemic hypoglycemia, familial, 1. Last evaluated: 2022-10-01. Review status: criteria provided, single submitter. Criteria: ACMG Guidelines, 2015. Collection method: clinical testing. Allele origin: germline. Inheritance: Autosomal recessive inheritance. Affected: yes. Observed: 1 compound heterozygote.
Comment: A heterozygous 3' splice variation in intron 24 of the ABCC8 gene that affects the position 9 nucleotides upstream of acceptor splice site of exon 24 was detected. The observed variant has not been reported in the 1000 genomes and gnomAD databases. The in silico prediction of the variant are possibly damaging by MutationTaster2. The reference codon is conserved across species. In summary, the variant meets our criteria to be classified as likely pathogenic.

Athena Diagnostics
Classification: Likely pathogenic. Last evaluated: 2020-01-23. Review status: criteria provided, single submitter. Criteria: Athena Diagnostics Criteria. Collection method: clinical testing. Allele origin: unknown.
Comment: The frequency of this variant in the general population is consistent with pathogenicity. Found in at least one patient with expected phenotype for this gene. Predicted to negatively affect a known splice site. In multiple individuals, this variant has been seen with a single recessive pathogenic variant in the same gene, suggesting this variant may also be pathogenic.

Blueprint Genetics
Classification: Likely pathogenic for ABCC8-related disorders. Last evaluated: 2019-02-12. Review status: criteria provided, single submitter. Criteria: ACMG Guidelines, 2015. Collection method: clinical testing. Allele origin: germline. Affected: yes. Observed: 1 variant allele.

Genetic Services Laboratory, University of Chicago
Classification: Likely pathogenic for Hyperinsulinemic hypoglycemia, familial, 1. Last evaluated: 2016-10-11. Review status: criteria provided, single submitter. Criteria: ACMG Guidelines, 2015. Collection method: clinical testing. Allele origin: germline. Affected: yes.

Literature cited by the submitters: PubMed 16357843 (cited by 4 submitters); PubMed 39205667 (cited by Natera, Inc.); PubMed 33410562 (cited by 5 submitters); PubMed 14715863 (cited by Women's Health and Genetics/Laboratory Corporation of America, LabCorp and Athena Diagnostics); PubMed 20685672 (cited by Women's Health and Genetics/Laboratory Corporation of America, LabCorp and Athena Diagnostics); PubMed 24814349 (cited by Athena Diagnostics).